The following is an entry in ClinVar:

NM_181426.2(CCDC39):c.1318C>G (p.Leu440Val)

Gene: CCDC39 (coiled-coil domain 39 molecular ruler complex subunit; minus strand). Cytogenetic location: 3q26.33.
Variant type: single nucleotide variant.
Coding change: c.1318C>G on transcript NM_181426.2 (MANE Select); coding-DNA position 1318, C replaced by G.
Protein change: p.Leu440Val; replaces leucine 440 with valine.
Molecular consequence: missense variant.
Genome position (GRCh38, 1-based): chr3:180,648,209, G>C on the plus strand (C>G on the coding strand, the complement: CCDC39 is on the minus strand). VCF-style: chr3-180648209-G-C. GRCh37 (hg19) VCF-style: chr3-180365997-G-C.
Other names: short protein forms L440V.
Identifiers: ClinVar variation 3637076 (VCV003637076.2).
Genomic context (GRCh38, chr3:180,648,209, plus strand): 5'-TAAAAGTAACATCTACCTGGCTGTACATAATTTCTTGCTGCTTCAAGGTTTCAAAATCCA[G>C]TTTTTGTAACTGATGGTTGAGATGTTTCAGAGAGGAACGAGTTCCTTCAATTTCTGATAA-3'
Protein context (NP_852091.1, residues 430-450): LKHLNHQLQK[Leu440Val]DFETLKQQEI

ClinVar aggregate classification (germline): Uncertain significance. Review status: criteria provided, multiple submitters, no conflicts (2 of 4 stars). 2 submissions from 2 submitters: Uncertain significance (2). Last evaluated 2024-08-27.

Conditions:
Primary ciliary dyskinesia. Also called: Ciliary dyskinesia. Identifiers: Orphanet 244, MedGen C0008780, MONDO:0016575, HP:0012265.

Submissions (2):

Blueprint Genetics
Classification: Uncertain significance. Last evaluated: 2024-08-27. Review status: criteria provided, single submitter. Criteria: ACMG Guidelines, 2015. Collection method: clinical testing. Allele origin: germline.

Labcorp Genetics (formerly Invitae), Labcorp
Classification: Uncertain significance for Primary ciliary dyskinesia. Last evaluated: 2024-02-17. Review status: criteria provided, single submitter. Criteria: Invitae Variant Classification Sherloc (09022015). Collection method: clinical testing. Allele origin: germline.
Comment: This sequence change replaces leucine, which is neutral and non-polar, with valine, which is neutral and non-polar, at codon 440 of the CCDC39 protein (p.Leu440Val). This variant is not present in population databases (gnomAD no frequency). This variant has not been reported in the literature in individuals affected with CCDC39-related conditions. An algorithm developed to predict the effect of missense changes on protein structure and function (PolyPhen-2) suggests that this variant is likely to be disruptive. In summary, the available evidence is currently insufficient to determine the role of this variant in disease. Therefore, it has been classified as a Variant of Uncertain Significance.